The following is an entry in ClinVar:

ClinVar aggregate classification (germline): Conflicting classifications of pathogenicity. Review status: criteria provided, conflicting classifications (1 of 4 stars). 15 submissions from 14 submitters: Likely pathogenic (2); Uncertain significance (12). 1 of the submissions does not count toward it. Last evaluated 2025-12-20.

Conditions:
CHEK2-related cancer predisposition (TPDS4). Also called: TUMOR PREDISPOSITION SYNDROME 4; CANCER PREDISPOSITION SYNDROME, CHEK2-RELATED; CHEK2-related cancer susceptibility. Identifiers: Orphanet 524, MedGen C5882668, MONDO:0700271, OMIM 609265.
Bone osteosarcoma. Also called: Osteosarcoma, somatic. Identifiers: Orphanet 668, MedGen C0585442, MONDO:0002629, OMIM 259500.
Familial prostate cancer. Also called: Hereditary Prostate Cancer. Identifiers: MedGen C2931456, MONDO:0700275, OMIM 176807.
Hereditary cancer-predisposing syndrome. Also called: Neoplastic Syndromes, Hereditary; Hereditary neoplastic syndrome; Hereditary Cancer Syndrome; Tumor predisposition. Identifiers: Orphanet 140162, MedGen C0027672, MeSH D009386, MONDO:0015356.
Hereditary breast ovarian cancer syndrome. Also called: Breast and ovarian cancer; Hereditary breast and/or ovarian cancer syndrome; Hereditary breast and ovarian cancer syndrome; Hereditary breast and ovarian cancer syndrome (HBOC); Hereditary breast and ovarian cancer; BRCA1- and BRCA2-Associated Hereditary Breast and Ovarian Cancer. Identifiers: Orphanet 145, MedGen C0677776, MeSH D061325, MONDO:0003582. Disease mechanism: loss of function.
Familial cancer of breast. Also called: BREAST CANCER, FAMILIAL; hereditary breast carcinoma; Hereditary breast cancer. Identifiers: Orphanet 227535, MedGen C0346153, MONDO:0016419, OMIM 114480. Disease mechanism: loss of function.
Malignant tumor of breast. Also called: Cancer breast; Malignant breast neoplasm. Identifiers: MedGen C0006142, MONDO:0007254. Disease mechanism: loss of function.

Allele frequency attached by ClinVar (database versions not stated): gnomAD 0.00001; gnomAD exomes 0.00001 and 0.00002; ExAC 0.00002; TOPMed 0.00002.
gnomAD v4.1: 12 of 1,613,826 alleles (0.00074%); highest among the groups gnomAD compares: Middle Eastern, 0.016%; no homozygotes.

Submissions 1 to 10 of 15:

Labcorp Genetics (formerly Invitae), Labcorp
Classification: Uncertain significance for Familial cancer of breast. Last evaluated: 2025-12-20. Review status: criteria provided, single submitter. Criteria: Invitae Variant Classification Sherloc (09022015). Collection method: clinical testing. Allele origin: germline.
Comment: This sequence change replaces glutamic acid, which is acidic and polar, with lysine, which is basic and polar, at codon 394 of the CHEK2 protein (p.Glu394Lys). This variant is present in population databases (rs587780169, gnomAD 0.02%). This missense change has been observed in individual(s) with breast cancer or prostate cancer (PMID: 30303537, 31050813, 31784482, 35220195, 37449874, 37842866). This variant is also known as c.1309G>A (p.Glu437Lys). ClinVar contains an entry for this variant (Variation ID: 128048). An algorithm developed to predict the effect of missense changes on protein structure and function (PolyPhen-2) suggests that this variant is likely to be disruptive. Experimental studies have shown that this missense change affects CHEK2 function (PMID: 30851065, 31409080, 37449874). In summary, the available evidence is currently insufficient to determine the role of this variant in disease. Therefore, it has been classified as a Variant of Uncertain Significance.

Institute of Human Genetics, University of Leipzig Medical Center
Classification: Likely pathogenic for CHEK2-related cancer predisposition. Last evaluated: 2025-09-15. Review status: criteria provided, single submitter. Criteria: ACMG Guidelines, 2015. Collection method: clinical testing. Allele origin: unknown. Inheritance: Autosomal dominant inheritance. Affected: yes.
Comment: Criteria applied: PS3,PM2_SUP,PP3

KCCC/NGS Laboratory, Kuwait Cancer Control Center
Classification: Uncertain significance for CHEK2-related cancer predisposition. Last evaluated: 2025-07-08. Review status: criteria provided, single submitter. Criteria: ACMG Guidelines, 2015. Collection method: clinical testing. Allele origin: germline. Inheritance: Autosomal dominant inheritance. Affected: yes. Observed: 1 heterozygote.
Comment: This sequence change replaces glutamic acid, which is acidic and polar, with lysine, which is basic and polar, at codon 394 of the CHEK2 protein (p.Glu394Lys). This variant is present in population databases (rs587780169, gnomAD 0.02%). This missense change has been observed in individual(s) with breast cancer (PMID: 30303537, 31050813, 31784482). ClinVar contains an entry for this variant (Variation ID: 128048).this alteration is predicted to be pathogenic computational verdict based on 20 pathogenic predictions from BayesDel_addAF, DANN, DEOGEN2, EIGEN, FATHMM-MKL, LIST-S2, M-CAP, MVP, MutationAssessor, MutationTaster, REVEL , SIFT , CADD, MutPred , LRT , SIFT4G , REVEL , MetaRNN and Polyphen2 vs non benign prediction. Experimental studies have shown that this missense change affects CHEK2 function (PMID: 30851065, 31409080). In summary, the available evidence is currently insufficient to determine the role of this variant in disease. Therefore, it has been classified as a Variant of Uncertain Significance

Ambry Genetics
Classification: Uncertain significance for Hereditary cancer-predisposing syndrome. Last evaluated: 2024-12-31. Review status: criteria provided, single submitter. Criteria: Ambry Variant Classification Scheme 2023. Collection method: clinical testing. Allele origin: germline.
Comment: The p.E394K variant (also known as c.1180G>A), located in coding exon 10 of the CHEK2 gene, results from a G to A substitution at nucleotide position 1180. The glutamic acid at codon 394 is replaced by lysine, an amino acid with similar properties. This alteration behaved as non-functional in an in vivo, yeast-based growth rate assay (Delimitsou A et al. Hum Mutat, 2019 05;40:631-648). Additionally, this alteration was identified in 1/1928 breast and/or ovarian cancer patients and 0/3360 population-matched controls. In a functional assay included in this study, this variant was reported as non-functional in both in vitro kinase and human-cell based assays of KAP1 phosphorylation (Kleiblova P et al. Int. J. Cancer, 2019 Oct;145:1782-1797). This alteration was reported as functionally impaired in a study assessing CHEK2-complementation through quantification of KAP1 phosphorylation and CHK2 autophosphorylation in human RPE1-CHEK2-knockout cells (Stolarova L et al. Clin Cancer Res, 2023 Aug;29:3037-3050). Finally, this variant demonstrated enrichment behavior in the presence of doxorubicin and olaparib and reduced expression of CHK2 in a drug sensitivity assay performed in MCF10A -BE3 cells with CRISPR-introduced variants (Cuella-Martin R et al. Cell, 2021 Feb;184:1081-1097.e19). This amino acid position is highly conserved in available vertebrate species. In addition, this alteration is predicted to be deleterious by in silico analysis. Based on the available evidence, the clinical significance of this variant remains unclear.

Blueprint Genetics
Classification: Uncertain significance. Last evaluated: 2024-11-25. Review status: criteria provided, single submitter. Criteria: ACMG Guidelines, 2015. Collection method: clinical testing. Allele origin: germline.

Fulgent Genetics
Classification: Uncertain significance for Familial prostate cancer; Bone osteosarcoma; CHEK2-related cancer predisposition. Last evaluated: 2024-02-17. Review status: criteria provided, single submitter. Criteria: ACMG Guidelines, 2015. Collection method: clinical testing. Allele origin: germline.

Color Diagnostics, LLC DBA Color Health
Classification: Uncertain significance for Hereditary cancer-predisposing syndrome. Last evaluated: 2023-12-28. Review status: criteria provided, single submitter. Criteria: ACMG Guidelines, 2015. Collection method: clinical testing. Allele origin: germline.
Comment: This missense variant replaces glutamic acid with lysine at codon 394 of the CHEK2 protein. Computational prediction suggests that this variant may have deleterious impact on protein structure and function. Functional studies have shown this variant to be damaging to protein function in in vitro and cell based kinase assays (PMID: 31050813, 33606978) and in a DNA damage repair assay in yeast (PMID: 30851065). This variant has been reported in one individual each affected with breast cancer (PMID: 31050813), prostate cancer (PMID: 37842866) and breast, ovarian or pancreatic cancer (PMID: 34026625). This variant also has been detected in a breast cancer case-control meta-analysis in 2/60466 cases and 1/53461 unaffected individuals (PMID: 33471991; Leiden Open Variation Database DB-ID CHEK2_000345). This variant has been identified in 5/251066 chromosomes in the general population by the Genome Aggregation Database (gnomAD). The available evidence is insufficient to determine the role of this variant in disease conclusively. Therefore, this variant is classified as a Variant of Uncertain Significance.

German Consortium for Hereditary Breast and Ovarian Cancer, University Hospital Cologne
Classification: Likely pathogenic for Hereditary breast ovarian cancer syndrome. Last evaluated: 2023-12-19. Review status: criteria provided, single submitter. Criteria: ACMG Guidelines, 2015. Collection method: curation. Allele origin: germline.
Comment: . According to the ACMG standard criteria we chose these criteria: PS3 (strong pathogenic): Deleterious in : Stolarova et al 2023 (PMID: 37449874), Kleiblova et al 2019 (PMID: 31050813), Delimitsou et al 2019 (PMID: 30851065), PM2 (supporting pathogenic): popmax: AFR popmax AF:2.41220e-05, PP3 (supporting pathogenic): REVEL: 0.864, BayesDEL:0.394329

Baylor Genetics
Classification: Uncertain significance for Familial cancer of breast. Last evaluated: 2023-10-16. Review status: criteria provided, single submitter. Criteria: ACMG Guidelines, 2015. Collection method: clinical testing. Allele origin: unknown.

Institute for Biomarker Research, Medical Diagnostic Laboratories, L.L.C.
Classification: Uncertain significance for Hereditary cancer-predisposing syndrome. Last evaluated: 2023-08-01. Review status: criteria provided, single submitter. Criteria: ACMG Guidelines, 2015. Collection method: clinical testing. Allele origin: germline.

NM_007194.4(CHEK2):c.1180G>A (p.Glu394Lys)

Gene: CHEK2 (checkpoint kinase 2; minus strand). Cytogenetic location: 22q12.1.
Variant type: single nucleotide variant.
Coding change: c.1180G>A on transcript NM_007194.4 (MANE Select); coding-DNA position 1180, G replaced by A.
Protein change: p.Glu394Lys; replaces glutamic acid 394 with lysine.
Molecular consequence: missense variant.
Genome position (GRCh38, 1-based): chr22:28,695,789, C>T on the plus strand (G>A on the coding strand, the complement: CHEK2 is on the minus strand). VCF-style: chr22-28695789-C-T. GRCh37 (hg19) VCF-style: chr22-29091777-C-T.
Other names: p.E394K:GAA>AAA; c.1309G>A, p.Glu437Lys (NM_001005735.3); c.517G>A, p.Glu173Lys (NM_001257387.3); c.979G>A, p.Glu327Lys (NM_001349956.3); c.1093G>A, p.Glu365Lys (NM_145862.3); short protein forms E394K, E327K, E173K, E365K, E437K.
Identifiers: ClinVar variation 128048 (VCV000128048.31), dbSNP rs587780169, ClinGen allele CA288262.